The following is an entry in ClinVar:

ClinVar aggregate classification (germline): Uncertain significance (1 of 4 stars; one submission).

Conditions:
Hereditary cancer-predisposing syndrome. Also called: Hereditary Cancer Syndrome; Neoplastic Syndromes, Hereditary; Tumor predisposition; Hereditary neoplastic syndrome. Identifiers: Orphanet 140162, MedGen C0027672, MeSH D009386, MONDO:0015356.

Submission:

Ambry Genetics
Classification: Uncertain significance for Hereditary cancer-predisposing syndrome. Last evaluated: 2026-08-20. Review status: criteria provided, single submitter. Criteria: Ambry Variant Classification Scheme 2023. Collection method: clinical testing. Allele origin: germline.
Comment: The p.D1500N variant (also known as c.4498G>A), located in coding exon 22 of the DICER1 gene, results from a G to A substitution at nucleotide position 4498. The aspartic acid at codon 1500 is replaced by asparagine, an amino acid with highly similar properties. This amino acid position is conserved. In addition, this alteration is predicted to be tolerated by in silico analysis. Based on the available evidence, the clinical significance of this variant remains unclear.

NM_177438.3(DICER1):c.4498G>A (p.Asp1500Asn)

Gene: DICER1 (dicer 1, ribonuclease III; minus strand). Cytogenetic location: 14q32.13.
Variant type: single nucleotide variant.
Coding change: c.4498G>A on transcript NM_177438.3 (MANE Select); coding-DNA position 4498, G replaced by A.
Protein change: p.Asp1500Asn; replaces aspartic acid 1500 with asparagine.
Molecular consequence: missense variant. On other transcripts: non-coding transcript variant (6).
Genome position (GRCh38, 1-based): chr14:95,096,422, C>T on the plus strand (G>A on the coding strand, the complement: DICER1 is on the minus strand). VCF-style: chr14-95096422-C-T. GRCh37 (hg19) VCF-style: chr14-95562759-C-T.
Other names: c.3931G>A, p.Asp1311Asn (NM_001395691.1); c.4498G>A, p.Asp1500Asn (NM_001395692.1, NM_001395693.1, NM_001395694.1 and 12 more transcripts); c.4093G>A, p.Asp1365Asn (NM_001395696.1, NM_001395687.1, NM_001395688.1 and 2 more transcripts); c.2815G>A, p.Asp939Asn (NM_001395697.1); c.4216G>A, p.Asp1406Asn (NM_001395686.1); short protein forms D1406N, D1500N, D939N, D1311N, D1365N.
Identifiers: ClinVar variation 5035317 (VCV005035317.1).
Genomic context (GRCh38, chr14:95,096,422, plus strand): 5'-CTTCAACAGCTTTGCTAGGATCCAGATAGCACATTGCATCCCAAGAGCTGTAGTCAAAAT[C>T]CTCAAAATCTGATGAAAATGGCATACTACCTAAGGAGGATTTTTTGGGCATTTTCCATTC-3'
Protein context (NP_803187.1, residues 1490-1510): GSMPFSSDFE[Asp1500Asn]FDYSSWDAMC